The following is an entry in ClinVar:

NM_003743.5(NCOA1):c.1761G>A (p.Glu587=)

Gene: NCOA1 (nuclear receptor coactivator 1; plus strand). Cytogenetic location: 2p23.3.
Variant type: single nucleotide variant.
Coding change: c.1761G>A on transcript NM_003743.5 (MANE Select); coding-DNA position 1761, G replaced by A.
Protein change: p.Glu587=; no amino-acid change (glutamic acid 587 retained).
Molecular consequence: synonymous variant.
Genome position (GRCh38, 1-based): chr2:24,707,231, G>A. VCF-style: chr2-24707231-G-A. GRCh37 (hg19) VCF-style: chr2-24930100-G-A.
Other names: c.1761G>A, p.Glu587= (NM_001362950.1, NM_001362952.1, NM_001362954.1 and 3 more transcripts).
Identifiers: ClinVar variation 3049143 (VCV003049143.2), dbSNP rs1673493646, ClinGen allele CA425351264.

ClinVar aggregate classification (germline): Likely benign (0 of 4 stars; one submission).

Conditions:
NCOA1-related disorder. Also called: NCOA1-related condition.

Allele frequency attached by ClinVar (database versions not stated): gnomAD 0.00001.
gnomAD v4.1: 1 of 1,614,058 alleles (0.000062%); highest among the groups gnomAD compares: Admixed American, 0.0017%; no homozygotes.

Submission:

PreventionGenetics, part of Exact Sciences
Classification: Likely benign for NCOA1-related condition. Last evaluated: 2019-12-09. Review status: no assertion criteria provided. Collection method: clinical testing. Allele origin: germline.
Comment: This variant is classified as likely benign based on ACMG/AMP sequence variant interpretation guidelines (Richards et al. 2015 PMID: 25741868, with internal and published modifications).